The following is an entry in ClinVar:

NM_000038.6(APC):c.7842A>T (p.Lys2614Asn)

Gene: APC (APC regulator of Wnt signaling pathway; plus strand). Cytogenetic location: 5q22.2.
Variant type: single nucleotide variant.
Coding change: c.7842A>T on transcript NM_000038.6 (MANE Select); coding-DNA position 7842, A replaced by T.
Protein change: p.Lys2614Asn; replaces lysine 2614 with asparagine.
Molecular consequence: missense variant. On other transcripts: non-coding transcript variant (2).
Genome position (GRCh38, 1-based): chr5:112,843,436, A>T. VCF-style: chr5-112843436-A-T. GRCh37 (hg19) VCF-style: chr5-112179133-A-T.
Other names: c.7926A>T, p.Lys2642Asn (NM_001407446.1); c.7896A>T, p.Lys2632Asn (NM_001407447.1, NM_001407448.1, NM_001407449.1 and 1 more transcripts); c.7842A>T, p.Lys2614Asn (NM_001407450.1, NM_001127510.3, NM_001354895.2); c.7593A>T, p.Lys2531Asn (NM_001407454.1, NM_001407455.1, NM_001407456.1 and 1 more transcripts); c.7812A>T, p.Lys2604Asn (NM_001407452.1); c.7665A>T, p.Lys2555Asn (NM_001407453.1, NM_001354901.2); c.7821A>T, p.Lys2607Asn (NM_001407451.1); c.7788A>T, p.Lys2596Asn (NM_001127511.3); and 11 more; short protein forms K2454N, K2607N, K2614N, K2632N, K2230N, K2485N, K2589N, K2642N.
Identifiers: ClinVar variation 2452770 (VCV002452770.2), dbSNP rs1554088694, ClinGen allele CA16038370.
Genomic context (GRCh38, chr5:112,843,436, plus strand): 5'-TATTTCAGGAACCAAACAAAGTAAAGAAAACCAAGTATCCGCAAAAGGAACATGGAGAAA[A>T]ATAAAAGAAAATGAATTTTCTCCCACAAATAGTACTTCTCAGACCGTTTCCTCAGGTGCT-3'
Protein context (NP_000029.2, residues 2604-2624): NQVSAKGTWR[Lys2614Asn]IKENEFSPTN

ClinVar aggregate classification (germline): Uncertain significance (1 of 4 stars; one submission).

Conditions:
Hereditary cancer-predisposing syndrome. Also called: Neoplastic Syndromes, Hereditary; Tumor predisposition; Hereditary neoplastic syndrome; Hereditary Cancer Syndrome. Identifiers: Orphanet 140162, MedGen C0027672, MeSH D009386, MONDO:0015356.

Submission:

Ambry Genetics
Classification: Uncertain significance for Hereditary cancer-predisposing syndrome. Last evaluated: 2023-03-12. Review status: criteria provided, single submitter. Criteria: Ambry Variant Classification Scheme 2023. Collection method: clinical testing. Allele origin: germline.
Comment: The p.K2614N variant (also known as c.7842A>T), located in coding exon 15 of the APC gene, results from an A to T substitution at nucleotide position 7842. The lysine at codon 2614 is replaced by asparagine, an amino acid with similar properties. This amino acid position is conserved. In addition, in silico predictors for this gene do not accurately predict pathogenicity. Since supporting evidence is limited at this time, the clinical significance of this alteration remains unclear.